The following is an entry in ClinVar:

ClinVar aggregate classification (germline): Uncertain significance. Review status: criteria provided, multiple submitters, no conflicts (2 of 4 stars). 3 submissions from 3 submitters: Uncertain significance (3). Last evaluated 2023-09-17.

Conditions:
Colorectal cancer, susceptibility to, 1. Also called: COLORECTAL ADENOMA AND CANCER, SUSCEPTIBILITY TO; COLORECTAL CANCER, SUSCEPTIBILITY TO, ON CHROMOSOME 9. Identifiers: MedGen C1837315, MONDO:0012132, OMIM 608812.

Allele frequency attached by ClinVar (database versions not stated): TOPMed below 0.00001; ExAC 0.00002; gnomAD 0.00002 and 0.00003; gnomAD exomes 0.00002; ESP Exome Variant Server 0.00008; 1000 Genomes Project 0.00020; 1000 Genomes Project 30x 0.00031.
gnomAD v4.1: 10 of 1,614,184 alleles (0.00062%); highest among the groups gnomAD compares: Admixed American, 0.012%; no homozygotes.

Submissions (3):

Ambry Genetics
Classification: Uncertain significance. Last evaluated: 2023-09-17. Review status: criteria provided, single submitter. Criteria: Ambry Variant Classification Scheme 2023. Collection method: clinical testing. Allele origin: germline.
Comment: The p.P370S variant (also known as c.1108C>T), located in coding exon 6 of the GALNT12 gene, results from a C to T substitution at nucleotide position 1108. The proline at codon 370 is replaced by serine, an amino acid with similar properties. This amino acid position is highly conserved in available vertebrate species. In addition, this alteration is predicted to be deleterious by in silico analysis. Since supporting evidence is limited at this time, the clinical significance of this alteration remains unclear.

Baylor Genetics
Classification: Uncertain significance for Colorectal cancer, susceptibility to, 1. Last evaluated: 2023-06-16. Review status: criteria provided, single submitter. Criteria: ACMG Guidelines, 2015. Collection method: clinical testing. Allele origin: unknown.

Labcorp Genetics (formerly Invitae), Labcorp
Classification: Uncertain significance. Last evaluated: 2022-03-22. Review status: criteria provided, single submitter. Criteria: Invitae Variant Classification Sherloc (09022015). Collection method: clinical testing. Allele origin: germline.
Comment: This variant has not been reported in the literature in individuals affected with GALNT12-related conditions. In summary, the available evidence is currently insufficient to determine the role of this variant in disease. Therefore, it has been classified as a Variant of Uncertain Significance. Algorithms developed to predict the effect of missense changes on protein structure and function are either unavailable or do not agree on the potential impact of this missense change (SIFT: "Deleterious"; PolyPhen-2: "Probably Damaging"; Align-GVGD: "Class C0"). ClinVar contains an entry for this variant (Variation ID: 822190). This variant is present in population databases (rs191693197, gnomAD 0.009%). This sequence change replaces proline, which is neutral and non-polar, with serine, which is neutral and polar, at codon 370 of the GALNT12 protein (p.Pro370Ser).

NM_024642.5(GALNT12):c.1108C>T (p.Pro370Ser)

Gene: GALNT12 (polypeptide N-acetylgalactosaminyltransferase 12; plus strand). Cytogenetic location: 9q22.33.
Variant type: single nucleotide variant.
Coding change: c.1108C>T on transcript NM_024642.5 (MANE Select); coding-DNA position 1108, C replaced by T.
Protein change: p.Pro370Ser; replaces proline 370 with serine.
Molecular consequence: missense variant.
Genome position (GRCh38, 1-based): chr9:98,837,044, C>T. VCF-style: chr9-98837044-C-T. GRCh37 (hg19) VCF-style: chr9-101599326-C-T.
Other names: short protein forms P370S.
Identifiers: ClinVar variation 822190 (VCV000822190.13), dbSNP rs191693197, ClinGen allele CA5154171.